The following is an entry in ClinVar:

NM_005677.4(COLQ):c.522C>T (p.Gly174=)

Gene: COLQ (collagen like tail subunit of asymmetric acetylcholinesterase; minus strand). Cytogenetic location: 3p25.1.
Variant type: single nucleotide variant.
Coding change: c.522C>T on transcript NM_005677.4 (MANE Select); coding-DNA position 522, C replaced by T.
Protein change: p.Gly174=; no amino-acid change (glycine 174 retained).
Molecular consequence: synonymous variant.
Genome position (GRCh38, 1-based): chr3:15,475,431, G>A on the plus strand (C>T on the coding strand, the complement: COLQ is on the minus strand). VCF-style: chr3-15475431-G-A. GRCh37 (hg19) VCF-style: chr3-15516938-G-A.
Other names: c.492C>T, p.Gly164= (NM_080538.2); c.420C>T, p.Gly140= (NM_080539.4).
Identifiers: ClinVar variation 1100016 (VCV001100016.11), dbSNP rs113843907, ClinGen allele CA2276135.

ClinVar aggregate classification (germline): Conflicting classifications of pathogenicity. Review status: criteria provided, conflicting classifications (1 of 4 stars). 2 submissions from 2 submitters: Uncertain significance (1); Likely benign (1). Last evaluated 2025-02-25.

Conditions:
Congenital myasthenic syndrome 5. Identifiers: Orphanet 590, MedGen C1864233, MONDO:0011281, OMIM 603034.

Allele frequency attached by ClinVar (database versions not stated): gnomAD exomes below 0.00001 and 0.00001; ExAC 0.00003; gnomAD 0.00004 and 0.00006; TOPMed 0.00005.
gnomAD v4.1: 22 of 1,598,264 alleles (0.0014%); highest among the groups gnomAD compares: African/African-American, 0.019%; no homozygotes.

Submissions (2):

Labcorp Genetics (formerly Invitae), Labcorp
Classification: Likely benign for Congenital myasthenic syndrome 5. Last evaluated: 2025-02-25. Review status: criteria provided, single submitter. Criteria: Invitae Variant Classification Sherloc (09022015). Collection method: clinical testing. Allele origin: germline.

Laboratorio de Genetica e Diagnostico Molecular, Hospital Israelita Albert Einstein
Classification: Uncertain significance. Last evaluated: 2022-01-17. Review status: criteria provided, single submitter. Criteria: ACMG Guidelines, 2015. Collection method: clinical testing. Allele origin: germline. Affected: yes.
Comment: ACMG classification criteria: PM2